The following is an entry in ClinVar:

NM_033004.4(NLRP1):c.1489G>A (p.Glu497Lys)

Gene: NLRP1 (NLR family pyrin domain containing 1; minus strand). Cytogenetic location: 17p13.2.
Variant type: single nucleotide variant.
Coding change: c.1489G>A on transcript NM_033004.4 (MANE Select); coding-DNA position 1489, G replaced by A.
Protein change: p.Glu497Lys; replaces glutamic acid 497 with lysine.
Molecular consequence: missense variant.
Genome position (GRCh38, 1-based): chr17:5,559,207, C>T on the plus strand (G>A on the coding strand, the complement: NLRP1 is on the minus strand). VCF-style: chr17-5559207-C-T. GRCh37 (hg19) VCF-style: chr17-5462527-C-T.
Other names: c.1489G>A, p.Glu497Lys (NM_001033053.3, NM_014922.5, NM_033006.4 and 1 more transcripts); short protein forms E497K.
Identifiers: ClinVar variation 1996631 (VCV001996631.4), dbSNP rs777859040, ClinGen allele CA8327361.
Genomic context (GRCh38, chr17:5,559,207, plus strand): 5'-ACAGGGCCCAGAGCTCTTTGTTTGATTTGACCAACCTAAAGGCTCTAATTGCTTGCCTTT[C>T]ATCTGTGAAATATCTGTAGAAATATTCCTTCCTGCTGGACTCAGAGAACCCCAGGACCTC-3'
Protein context (NP_127497.1, residues 487-507): KEYFYRYFTD[Glu497Lys]RQAIRAFRLV

ClinVar aggregate classification (germline): Uncertain significance (1 of 4 stars; one submission).

Allele frequency attached by ClinVar (database versions not stated): gnomAD exomes below 0.00001; ExAC 0.00001; TOPMed 0.00001; gnomAD 0.00003.
gnomAD v4.1: 5 of 1,614,098 alleles (0.00031%); highest among the groups gnomAD compares: African/African-American, 0.0053%; no homozygotes.

Submission:

Labcorp Genetics (formerly Invitae), Labcorp
Classification: Uncertain significance. Last evaluated: 2022-05-19. Review status: criteria provided, single submitter. Criteria: Invitae Variant Classification Sherloc (09022015). Collection method: clinical testing. Allele origin: germline.
Comment: In summary, the available evidence is currently insufficient to determine the role of this variant in disease. Therefore, it has been classified as a Variant of Uncertain Significance. Algorithms developed to predict the effect of missense changes on protein structure and function output the following: SIFT: "Tolerated"; PolyPhen-2: "Benign"; Align-GVGD: "Class C0". The lysine amino acid residue is found in multiple mammalian species, which suggests that this missense change does not adversely affect protein function. This variant has not been reported in the literature in individuals affected with NLRP1-related conditions. This variant is present in population databases (rs777859040, gnomAD 0.007%). This sequence change replaces glutamic acid, which is acidic and polar, with lysine, which is basic and polar, at codon 497 of the NLRP1 protein (p.Glu497Lys).